The following is an entry in ClinVar:

NM_002439.5(MSH3):c.2101G>T (p.Glu701Ter)

Gene: MSH3 (mutS homolog 3; plus strand). Cytogenetic location: 5q14.1.
Variant type: single nucleotide variant.
Coding change: c.2101G>T on transcript NM_002439.5 (MANE Select); coding-DNA position 2101, G replaced by T.
Protein change: p.Glu701Ter; replaces glutamic acid 701 with a stop codon.
Molecular consequence: nonsense.
Genome position (GRCh38, 1-based): chr5:80,768,851, G>T. VCF-style: chr5-80768851-G-T. GRCh37 (hg19) VCF-style: chr5-80064670-G-T.
Other names: short protein forms E701*.
Identifiers: ClinVar variation 2673554 (VCV002673554.3), dbSNP rs2546774176, ClinGen allele CA360279217.

ClinVar aggregate classification (germline): Pathogenic. Review status: criteria provided, multiple submitters, no conflicts (2 of 4 stars). 2 submissions from 2 submitters: Pathogenic (2). Last evaluated 2024-04-20.

Conditions:
Familial adenomatous polyposis 4 (FAP4). Also called: MSH3-related attenuated familial adenomatous polyposis. Identifiers: Orphanet 480536, MedGen C4310719, MONDO:0044300, OMIM 617100.

Submissions (2):

Labcorp Genetics (formerly Invitae), Labcorp
Classification: Pathogenic. Last evaluated: 2024-04-20. Review status: criteria provided, single submitter. Criteria: Invitae Variant Classification Sherloc (09022015). Collection method: clinical testing. Allele origin: germline.
Comment: This sequence change creates a premature translational stop signal (p.Glu701*) in the MSH3 gene. It is expected to result in an absent or disrupted protein product. Loss-of-function variants in MSH3 are known to be pathogenic (PMID: 27476653, 37402566). This variant is not present in population databases (gnomAD no frequency). This variant has not been reported in the literature in individuals affected with MSH3-related conditions. Algorithms developed to predict the effect of sequence changes on RNA splicing suggest that this variant may disrupt the consensus splice site. For these reasons, this variant has been classified as Pathogenic.

Myriad Genetics, Inc.
Classification: Pathogenic for Familial adenomatous polyposis 4. Last evaluated: 2023-08-30. Review status: criteria provided, single submitter. Criteria: Myriad Autosomal Dominant, Autosomal Recessive and X-Linked Classification Criteria (2023). Collection method: clinical testing. Allele origin: unknown.
Comment: This variant is considered pathogenic. This variant creates a termination codon and is predicted to result in premature protein truncation.

Literature cited by the submitters: PubMed 27476653 (cited by Labcorp Genetics (formerly Invitae), Labcorp); PubMed 37402566 (cited by Labcorp Genetics (formerly Invitae), Labcorp).